The following is an entry in ClinVar:

ClinVar aggregate classification (germline): Uncertain significance. Review status: criteria provided, multiple submitters, no conflicts (2 of 4 stars). 3 submissions from 3 submitters: Uncertain significance (2). 1 of the submissions does not count toward it. Last evaluated 2025-06-12.

Conditions:
KANK1-related disorder. Also called: KANK1-related condition.

Allele frequency attached by ClinVar (database versions not stated): ExAC 0.00002; TOPMed 0.00006; gnomAD 0.00008.
gnomAD v4.1: 20 of 1,614,162 alleles (0.0012%); highest among the groups gnomAD compares: African/African-American, 0.017%; no homozygotes.

Submissions (3):

Labcorp Genetics (formerly Invitae), Labcorp
Classification: Uncertain significance. Last evaluated: 2025-06-12. Review status: criteria provided, single submitter. Criteria: Invitae Variant Classification Sherloc (09022015). Collection method: clinical testing. Allele origin: germline.
Comment: This sequence change replaces serine, which is neutral and polar, with leucine, which is neutral and non-polar, at codon 914 of the KANK1 protein (p.Ser914Leu). This variant is present in population databases (rs565523396, gnomAD 0.01%). This variant has not been reported in the literature in individuals affected with KANK1-related conditions. ClinVar contains an entry for this variant (Variation ID: 2076223). Invitae Evidence Modeling of protein sequence and biophysical properties (such as structural, functional, and spatial information, amino acid conservation, physicochemical variation, residue mobility, and thermodynamic stability) indicates that this missense variant is not expected to disrupt KANK1 protein function with a negative predictive value of 80%. In summary, the available evidence is currently insufficient to determine the role of this variant in disease. Therefore, it has been classified as a Variant of Uncertain Significance.

Ambry Genetics
Classification: Uncertain significance. Last evaluated: 2023-04-05. Review status: criteria provided, single submitter. Criteria: Ambry Variant Classification Scheme 2023. Collection method: clinical testing. Allele origin: germline.

PreventionGenetics, part of Exact Sciences
Classification: Uncertain significance for KANK1-related condition. Last evaluated: 2024-04-06. Review status: no assertion criteria provided. Collection method: clinical testing. Allele origin: germline. Not counted in ClinVar's aggregate classification.
Comment: The KANK1 c.2741C>T variant is predicted to result in the amino acid substitution p.Ser914Leu. To our knowledge, this variant has not been reported in the literature. This variant is reported in 0.012% of alleles in individuals of African descent in gnomAD. At this time, the clinical significance of this variant is uncertain due to the absence of conclusive functional and genetic evidence.

NM_015158.5(KANK1):c.2741C>T (p.Ser914Leu)

Gene: KANK1 (KN motif and ankyrin repeat domains 1; plus strand). Cytogenetic location: 9p24.3.
Variant type: single nucleotide variant.
Coding change: c.2741C>T on transcript NM_015158.5 (MANE Select); coding-DNA position 2741, C replaced by T.
Protein change: p.Ser914Leu; replaces serine 914 with leucine.
Molecular consequence: missense variant. On other transcripts: non-coding transcript variant (1).
Genome position (GRCh38, 1-based): chr9:730,093, C>T. VCF-style: chr9-730093-C-T. GRCh37 (hg19) VCF-style: chr9-730093-C-T.
Other names: c.2741C>T (NM_015158.2, NM_015158.3); c.2741C>T, p.Ser914Leu (NM_001256876.3, NM_001256877.3, NM_001354331.2 and 2 more transcripts); c.2267C>T, p.Ser756Leu (NM_001354333.2, NM_001354335.2, NM_001354336.2 and 9 more transcripts); short protein forms S756L, S914L.
Identifiers: ClinVar variation 2076223 (VCV002076223.7), dbSNP rs565523396, ClinGen allele CA4960608.